The following is an entry in ClinVar:

NM_145725.3(TRAF3):c.295A>G (p.Lys99Glu)

Gene: TRAF3 (TNF receptor associated factor 3; plus strand). Cytogenetic location: 14q32.32.
Variant type: single nucleotide variant.
Coding change: c.295A>G on transcript NM_145725.3 (MANE Select); coding-DNA position 295, A replaced by G.
Protein change: p.Lys99Glu; replaces lysine 99 with glutamic acid.
Molecular consequence: missense variant.
Genome position (GRCh38, 1-based): chr14:102,871,966, A>G. VCF-style: chr14-102871966-A-G. GRCh37 (hg19) VCF-style: chr14-103338303-A-G.
Other names: c.295A>G, p.Lys99Glu (NM_001199427.2, NM_001385142.1, NM_001385143.1 and 2 more transcripts); short protein forms K99E.
Identifiers: ClinVar variation 2113539 (VCV002113539.4), dbSNP rs913325813, ClinGen allele CA267125611.

ClinVar aggregate classification (germline): Uncertain significance (1 of 4 stars; one submission).

Conditions:
Immunodeficiency 132A. Also called: Herpes simplex encephalitis, susceptibility to, 3. Identifiers: Orphanet 1930, MedGen C3553868, MONDO:0013920, OMIM 614849.

Allele frequency attached by ClinVar (database versions not stated): gnomAD 0.00001; gnomAD exomes 0.00001; TOPMed 0.00001.
gnomAD v4.1: 14 of 1,614,052 alleles (0.00087%); highest among the groups gnomAD compares: African/African-American, 0.0013%; no homozygotes.

Submission:

Labcorp Genetics (formerly Invitae), Labcorp
Classification: Uncertain significance for Immunodeficiency 132A. Last evaluated: 2022-07-04. Review status: criteria provided, single submitter. Criteria: Invitae Variant Classification Sherloc (09022015). Collection method: clinical testing. Allele origin: germline.
Comment: This sequence change replaces lysine, which is basic and polar, with glutamic acid, which is acidic and polar, at codon 99 of the TRAF3 protein (p.Lys99Glu). This variant is not present in population databases (gnomAD no frequency). In summary, the available evidence is currently insufficient to determine the role of this variant in disease. Therefore, it has been classified as a Variant of Uncertain Significance. Algorithms developed to predict the effect of missense changes on protein structure and function are either unavailable or do not agree on the potential impact of this missense change (SIFT: "Deleterious"; PolyPhen-2: "Benign"; Align-GVGD: "Class C0"). This variant has not been reported in the literature in individuals affected with TRAF3-related conditions.